The following is an entry in ClinVar:

NM_005035.4(POLRMT):c.881C>T (p.Pro294Leu)

Gene: POLRMT (RNA polymerase mitochondrial; minus strand). Cytogenetic location: 19p13.3.
Variant type: single nucleotide variant.
Coding change: c.881C>T on transcript NM_005035.4 (MANE Select); coding-DNA position 881, C replaced by T.
Protein change: p.Pro294Leu; replaces proline 294 with leucine.
Molecular consequence: missense variant.
Genome position (GRCh38, 1-based): chr19:625,196, G>A on the plus strand (C>T on the coding strand, the complement: POLRMT is on the minus strand). VCF-style: chr19-625196-G-A. GRCh37 (hg19) VCF-style: chr19-625196-G-A.
Other names: POLRMT, PRO294LEU (rs566027653); short protein forms P294L.
Identifiers: ClinVar variation 1679186 (VCV001679186.4), dbSNP rs566027653, ClinGen allele CA9020573.

ClinVar aggregate classification (germline): Uncertain significance. Review status: criteria provided, single submitter (1 of 4 stars). 2 submissions from 2 submitters: Uncertain significance (1). 1 of the submissions does not count toward it. Last evaluated 2022-04-25.

Conditions:
Combined oxidative phosphorylation deficiency 55 (COXPD55). Identifiers: MedGen C5676915, MONDO:0859228, OMIM 619743.

Allele frequency attached by ClinVar (database versions not stated): gnomAD 0.00007 and 0.00008; TOPMed 0.00011; 1000 Genomes Project 0.00020; 1000 Genomes Project 30x 0.00031.

Submissions (2):

Center for Human Genetics and Genomic Medicine, Uniklinik Rwth Aachen
Classification: Uncertain significance for Combined oxidative phosphorylation deficiency 55. Last evaluated: 2022-04-25. Review status: criteria provided, single submitter. Criteria: ACMG Guidelines, 2015. Collection method: clinical testing. Allele origin: maternal. Inheritance: Autosomal recessive inheritance. Affected: yes. Observed: 1 heterozygote.
Comment: The detected change is reported in the dbSNP database (dbSNP151 as of 04/25/2022) with the designation rs566027653. In gnomAD it is listed with a frequency of 0.01203% (34/282580) (as of April 25, 2022). Bioinformatically, the change is inconsistently classified as "probably disease-causing" (CADDphred 25.2) or as more benign (MutationTaster). Since this is a highly conserved amino acid, the variant may have an influence on the function of the protein. Based on the current state of knowledge, the variant can be classified as a “variant of uncertain clinical significance” (ACMG criteria).

OMIM
Classification: Pathogenic for COMBINED OXIDATIVE PHOSPHORYLATION DEFICIENCY 55. Last evaluated: 2025-12-29. Review status: no assertion criteria provided. Collection method: literature only. Allele origin: germline. Not counted in ClinVar's aggregate classification.

Literature cited by the submitters: PubMed 40583167 (cited by OMIM).